The following is an entry in ClinVar:

NM_001242896.3(DEPDC5):c.1613C>T (p.Pro538Leu)

Gene: DEPDC5 (DEP domain containing 5, GATOR1 subcomplex subunit; plus strand). Cytogenetic location: 22q12.3.
Variant type: single nucleotide variant.
Coding change: c.1613C>T on transcript NM_001242896.3 (MANE Select); coding-DNA position 1613, C replaced by T.
Protein change: p.Pro538Leu; replaces proline 538 with leucine.
Molecular consequence: missense variant. On other transcripts: non-coding transcript variant (5).
Genome position (GRCh38, 1-based): chr22:31,815,159, C>T. VCF-style: chr22-31815159-C-T. GRCh37 (hg19) VCF-style: chr22-32211145-C-T.
Other names: c.1613C>T, p.Pro538Leu (NM_001007188.4, NM_001136029.4, NM_001242897.2 and 7 more transcripts); c.1529C>T, p.Pro510Leu (NM_001369901.1, NM_001369902.1); short protein forms P510L, P538L.
Identifiers: ClinVar variation 1217207 (VCV001217207.4), dbSNP rs200461139, ClinGen allele CA323315679.

ClinVar aggregate classification (germline): Uncertain significance. Review status: criteria provided, multiple submitters, no conflicts (2 of 4 stars). 2 submissions from 2 submitters: Uncertain significance (2). Last evaluated 2024-05-03.

Allele frequency attached by ClinVar (database versions not stated): gnomAD exomes 0.00001 and 0.00002; TOPMed 0.00001.
gnomAD v4.1: 10 of 1,614,168 alleles (0.00062%); highest among the groups gnomAD compares: Non-Finnish European, 0.00076%; no homozygotes.

Submissions (2):

Blueprint Genetics
Classification: Uncertain significance. Last evaluated: 2024-05-03. Review status: criteria provided, single submitter. Criteria: ACMG Guidelines, 2015. Collection method: clinical testing. Allele origin: germline.

GeneDx
Classification: Uncertain significance. Last evaluated: 2020-11-09. Review status: criteria provided, single submitter. Criteria: GeneDx Variant Classification Process June 2021. Collection method: clinical testing. Allele origin: germline. Affected: yes.
Comment: Not observed at a significant frequency in large population cohorts (Lek et al., 2016); In silico analysis, which includes protein predictors and evolutionary conservation, supports that this variant does not alter protein structure/function; Has not been previously published as pathogenic or benign to our knowledge